The following is an entry in ClinVar:

ClinVar aggregate classification (germline): Likely benign. Review status: criteria provided, multiple submitters, no conflicts (2 of 4 stars). 3 submissions from 3 submitters: Likely benign (3). Last evaluated 2026-05-27.

Conditions:
SACS-related disorder. Also called: SACS-related condition.
Spastic paraplegia. Identifiers: MedGen C0037772, HP:0001258.

Allele frequency attached by ClinVar (database versions not stated): gnomAD exomes below 0.00001; gnomAD 0.00001; TOPMed 0.00003; ESP Exome Variant Server 0.00008.
gnomAD v4.1: 21 of 1,613,868 alleles (0.0013%); highest among the groups gnomAD compares: African/African-American, 0.0027%; no homozygotes.

Submissions (3):

PreventionGenetics, part of Exact Sciences
Classification: Likely benign for SACS-related condition. Last evaluated: 2026-05-27. Review status: criteria provided, single submitter. Criteria: ACMG Guidelines, 2015. Collection method: clinical testing. Allele origin: germline.
Comment: This variant is classified as likely benign based on ACMG/AMP sequence variant interpretation guidelines (Richards et al. 2015 PMID: 25741868, with internal and published modifications).

Labcorp Genetics (formerly Invitae), Labcorp
Classification: Likely benign for Spastic paraplegia. Last evaluated: 2024-03-13. Review status: criteria provided, single submitter. Criteria: Invitae Variant Classification Sherloc (09022015). Collection method: clinical testing. Allele origin: germline.

Athena Diagnostics
Classification: Likely benign. Last evaluated: 2020-03-12. Review status: criteria provided, single submitter. Criteria: Athena Diagnostics Criteria. Collection method: clinical testing. Allele origin: unknown.

NM_014363.6(SACS):c.4899A>T (p.Val1633=)

Gene: SACS (sacsin molecular chaperone; minus strand). Cytogenetic location: 13q12.12.
Variant type: single nucleotide variant.
Coding change: c.4899A>T on transcript NM_014363.6 (MANE Select); coding-DNA position 4899, A replaced by T.
Protein change: p.Val1633=; no amino-acid change (valine 1633 retained).
Molecular consequence: synonymous variant.
Genome position (GRCh38, 1-based): chr13:23,338,977, T>A on the plus strand (A>T on the coding strand, the complement: SACS is on the minus strand). VCF-style: chr13-23338977-T-A. GRCh37 (hg19) VCF-style: chr13-23913116-T-A.
Other names: c.4458A>T, p.Val1486= (NM_001278055.2); c.4899A>T (NM_014363.5).
Identifiers: ClinVar variation 995229 (VCV000995229.10), dbSNP rs146419598, ClinGen allele CA246659693.